The following is an entry in ClinVar:

NM_001382567.1(STIM1):c.1761C>G (p.Ser587Arg)

Gene: STIM1 (stromal interaction molecule 1; plus strand). Cytogenetic location: 11p15.4.
Variant type: single nucleotide variant.
Coding change: c.1761C>G on transcript NM_001382567.1 (MANE Select); coding-DNA position 1761, C replaced by G.
Protein change: p.Ser587Arg; replaces serine 587 with arginine.
Molecular consequence: missense variant. On other transcripts: 3 prime UTR variant (4), non-coding transcript variant (3).
Genome position (GRCh38, 1-based): chr11:4,091,408, C>G. VCF-style: chr11-4091408-C-G. GRCh37 (hg19) VCF-style: chr11-4112638-C-G.
Other names: c.1986C>G, p.Ser662Arg (NM_001277961.3); c.*82C>G (NM_001277962.2, NM_001382578.1, NM_001382579.1 and 1 more transcripts); c.1764C>G, p.Ser588Arg (NM_001382566.1); c.1689C>G, p.Ser563Arg (NM_001382568.1); c.1533C>G, p.Ser511Arg (NM_001382569.1); c.1440C>G, p.Ser480Arg (NM_001382570.1); c.1188C>G, p.Ser396Arg (NM_001382571.1); c.1446C>G, p.Ser482Arg (NM_001382575.1, NM_001382576.1, NM_001382577.1); and 2 more; short protein forms S556R, S662R, S393R, S396R, S480R, S482R, S511R, S563R.
Identifiers: ClinVar variation 658650 (VCV000658650.12), dbSNP rs201543900, ClinGen allele CA5830607.

ClinVar aggregate classification (germline): Uncertain significance. Review status: criteria provided, multiple submitters, no conflicts (2 of 4 stars). 2 submissions from 2 submitters: Uncertain significance (2). Last evaluated 2025-10-06.

Conditions:
Myopathy with tubular aggregates (TAM). Also called: Tubular Aggregate Myopathy. Identifiers: Orphanet 2593, MedGen C0410207, MONDO:0008051.
Stormorken syndrome (STRMK). Also called: THROMBOCYTOPATHY, ASPLENIA, AND MIOSIS. Identifiers: Orphanet 3204, MedGen C1861451, MONDO:0008497, OMIM 185070.
Combined immunodeficiency due to STIM1 deficiency. Also called: STIM1 DEFICIENCY; IMMUNODEFICIENCY 10. Identifiers: Orphanet 169090, Orphanet 317430, MedGen C2748557, MONDO:0013008, OMIM 612783.

Allele frequency attached by ClinVar (database versions not stated): ExAC 0.00002; gnomAD 0.00002; gnomAD exomes 0.00002 and 0.00004; TOPMed 0.00011.
gnomAD v4.1: 25 of 1,614,108 alleles (0.0015%); highest among the groups gnomAD compares: East Asian, 0.053%; no homozygotes.

Submissions (2):

Labcorp Genetics (formerly Invitae), Labcorp
Classification: Uncertain significance for Myopathy with tubular aggregates; Combined immunodeficiency due to STIM1 deficiency; Stormorken syndrome. Last evaluated: 2025-10-06. Review status: criteria provided, single submitter. Criteria: Invitae Variant Classification Sherloc (09022015). Collection method: clinical testing. Allele origin: germline.
Comment: This sequence change replaces serine, which is neutral and polar, with arginine, which is basic and polar, at codon 556 of the STIM1 protein (p.Ser556Arg). This variant is present in population databases (rs201543900, gnomAD 0.05%). This variant has not been reported in the literature in individuals affected with STIM1-related conditions. ClinVar contains an entry for this variant (Variation ID: 658650). Invitae Evidence Modeling of protein sequence and biophysical properties (such as structural, functional, and spatial information, amino acid conservation, physicochemical variation, residue mobility, and thermodynamic stability) has been performed for this missense variant. However, the output from this modeling did not meet the statistical confidence thresholds required to predict the impact of this variant on STIM1 protein function. In summary, the available evidence is currently insufficient to determine the role of this variant in disease. Therefore, it has been classified as a Variant of Uncertain Significance.

Blueprint Genetics
Classification: Uncertain significance. Last evaluated: 2023-05-03. Review status: criteria provided, single submitter. Criteria: ACMG Guidelines, 2015. Collection method: clinical testing. Allele origin: germline.